The following is an entry in ClinVar:

NM_000135.4(FANCA):c.3066+13_3066+75del

Gene: FANCA (FA complementation group A; minus strand). Cytogenetic location: 16q24.3.
Variant type: Deletion.
Coding change: c.3066+13_3066+75del on transcript NM_000135.4 (MANE Select); bases 13 to 75 of the intron after coding-DNA position 3066, 63 bases deleted.
Molecular consequence: intron variant.
Genome position (GRCh38, 1-based): chr16:89,752,063-89,752,125, 63 bases deleted. GRCh37 (hg19): chr16:89,818,474-89,818,536.
Other names: c.3066+13_3066+75del (NM_001286167.3).
Identifiers: ClinVar variation 2737844 (VCV002737844.3), dbSNP rs2038613954, ClinGen allele CA980436523.

ClinVar aggregate classification (germline): Uncertain significance (1 of 4 stars; one submission).

Conditions:
Fanconi anemia (FA). Also called: Fanconi's anemia. Identifiers: Orphanet 84, MedGen C0015625, MeSH D005199, MONDO:0019391.

Submission:

Labcorp Genetics (formerly Invitae), Labcorp
Classification: Uncertain significance for Fanconi anemia. Last evaluated: 2023-08-18. Review status: criteria provided, single submitter. Criteria: Invitae Variant Classification Sherloc (09022015). Collection method: clinical testing. Allele origin: germline.
Comment: In summary, the available evidence is currently insufficient to determine the role of this variant in disease. Therefore, it has been classified as a Variant of Uncertain Significance. Experimental studies and prediction algorithms are not available or were not evaluated, and the effect of this variant on mRNA splicing is currently unknown. This variant has not been reported in the literature in individuals affected with FANCA-related conditions. This variant is not present in population databases (gnomAD no frequency). This sequence change falls in intron 31 of the FANCA gene. It does not directly change the encoded amino acid sequence of the FANCA protein.